The following is an entry in ClinVar:

ClinVar aggregate classification (germline): Pathogenic (1 of 4 stars; one submission).

Conditions:
Juvenile polyposis syndrome (JPS). Identifiers: Orphanet 2929, MedGen C0345893, MONDO:0017380, OMIM 174900.

Submission:

Labcorp Genetics (formerly Invitae), Labcorp
Classification: Pathogenic for Juvenile polyposis syndrome. Last evaluated: 2021-08-28. Review status: criteria provided, single submitter. Criteria: Invitae Variant Classification Sherloc (09022015). Collection method: clinical testing. Allele origin: germline.
Comment: For these reasons, this variant has been classified as Pathogenic. A similar copy number variant has been observed in individual(s) with juvenile polyposis (PMID: 23399955). A gross deletion of the genomic region encompassing the full coding sequence of the BMPR1A gene has been identified. Loss-of-function variants in BMPR1A are known to be pathogenic (PMID: 11536076, 12417513). The boundaries of this event are unknown as they extend beyond the assayed region for this gene and therefore may encompass additional genes.

Literature cited by the submitters: PubMed 23399955; PubMed 11536076; PubMed 12417513.

NC_000010.10:g.(?_88441193)_(88722432_?)del

Genes: LDB3 (LIM domain binding 3; plus strand), BMPR1A (bone morphogenetic protein receptor type 1A; plus strand), MMRN2 (multimerin 2; minus strand), SNCG (synuclein gamma; plus strand). Cytogenetic location: 10q23.2.
Variant type: Deletion.
Identifiers: ClinVar variation 1453421 (VCV001453421.5).